The following is an entry in ClinVar:

ClinVar aggregate classification (germline): Uncertain significance. Review status: criteria provided, multiple submitters, no conflicts (2 of 4 stars). 2 submissions from 2 submitters: Uncertain significance (2). Last evaluated 2026-07-23.

Conditions:
Cardiovascular phenotype. Identifiers: MedGen CN230736.

Allele frequency attached by ClinVar (database versions not stated): TOPMed 0.00001.
gnomAD v4.1: 4 of 1,607,968 alleles (0.00025%); highest among the groups gnomAD compares: African/African-American, 0.004%; no homozygotes.

Submissions (2):

Ambry Genetics
Classification: Uncertain significance for Cardiovascular phenotype. Last evaluated: 2026-07-23. Review status: criteria provided, single submitter. Criteria: Ambry Variant Classification Scheme 2023. Collection method: clinical testing. Allele origin: germline.
Comment: The c.2441A>G (p.Q814R) alteration is located in exon 5 (coding exon 4) of the TNXB gene. This alteration results from a A to G substitution at nucleotide position 2441, causing the glutamine (Q) at amino acid position 814 to be replaced by an arginine (R). Based on data from gnomAD, the G allele has an overall frequency of <0.001% (1/247866) total alleles studied. The highest observed frequency was 0.003% (1/34370) of Latino alleles. Based on insufficient or conflicting evidence, the clinical significance of this alteration remains unclear.

GeneDx
Classification: Uncertain significance. Last evaluated: 2024-05-21. Review status: criteria provided, single submitter. Criteria: GeneDx Variant Classification Process June 2021. Collection method: clinical testing. Allele origin: germline. Affected: yes.
Comment: Not observed at significant frequency in large population cohorts (gnomAD); In silico analysis supports that this missense variant has a deleterious effect on protein structure/function; Has not been previously published as pathogenic or benign to our knowledge

NM_001365276.2(TNXB):c.2441A>G (p.Gln814Arg)

Gene: TNXB (tenascin XB; minus strand). Cytogenetic location: 6p21.33.
Variant type: single nucleotide variant.
Coding change: c.2441A>G on transcript NM_001365276.2 (MANE Select); coding-DNA position 2441, A replaced by G.
Protein change: p.Gln814Arg; replaces glutamine 814 with arginine.
Molecular consequence: missense variant.
Genome position (GRCh38, 1-based): chr6:32,089,297, T>C on the plus strand (A>G on the coding strand, the complement: TNXB is on the minus strand). VCF-style: chr6-32089297-T-C. GRCh37 (hg19) VCF-style: chr6-32057074-T-C.
Other names: c.2441A>G, p.Gln814Arg (NM_019105.8); short protein forms Q814R.
Identifiers: ClinVar variation 1791335 (VCV001791335.4), dbSNP rs954331287, ClinGen allele CA136900905.